The following is an entry in ClinVar:

NM_000787.4(DBH):c.1738C>G (p.Gln580Glu)

Gene: DBH (dopamine beta-hydroxylase; plus strand). Cytogenetic location: 9q34.2.
Variant type: single nucleotide variant.
Coding change: c.1738C>G on transcript NM_000787.4 (MANE Select); coding-DNA position 1738, C replaced by G.
Protein change: p.Gln580Glu; replaces glutamine 580 with glutamic acid.
Molecular consequence: missense variant.
Genome position (GRCh38, 1-based): chr9:133,658,331, C>G. VCF-style: chr9-133658331-C-G. GRCh37 (hg19) VCF-style: chr9-136523453-C-G.
Other names: short protein forms Q580E.
Identifiers: ClinVar variation 1901440 (VCV001901440.5), dbSNP rs764307266, ClinGen allele CA375422902.

ClinVar aggregate classification (germline): Uncertain significance (1 of 4 stars; one submission).

Conditions:
Orthostatic hypotension 1 (ORTHYP1). Also called: NORADRENALINE DEFICIENCY; NOREPINEPHRINE DEFICIENCY; Dopamine beta-hydroxylase deficiency; Orthostatic hypotension 1, due to DBH deficiency. Identifiers: Orphanet 230, MedGen C4746777, MONDO:0009123, OMIM 223360.

Submission:

Labcorp Genetics (formerly Invitae), Labcorp
Classification: Uncertain significance for Orthostatic hypotension 1. Last evaluated: 2022-07-25. Review status: criteria provided, single submitter. Criteria: Invitae Variant Classification Sherloc (09022015). Collection method: clinical testing. Allele origin: germline.
Comment: This sequence change replaces glutamine, which is neutral and polar, with glutamic acid, which is acidic and polar, at codon 580 of the DBH protein (p.Gln580Glu). This variant is not present in population databases (gnomAD no frequency). This variant has not been reported in the literature in individuals affected with DBH-related conditions. Algorithms developed to predict the effect of missense changes on protein structure and function (SIFT, PolyPhen-2, Align-GVGD) all suggest that this variant is likely to be tolerated. In summary, the available evidence is currently insufficient to determine the role of this variant in disease. Therefore, it has been classified as a Variant of Uncertain Significance.